The following is an entry in ClinVar:

ClinVar aggregate classification (germline): Conflicting classifications of pathogenicity. Review status: criteria provided, conflicting classifications (1 of 4 stars). 9 submissions from 9 submitters: Uncertain significance (5); Likely benign (1). 3 of the submissions do not count toward it. Last evaluated 2026-09-19.

Conditions:
Autosomal recessive limb-girdle muscular dystrophy type 2J (LGMDR10). Also called: Limb-girdle muscular dystrophy, type 2J; MUSCULAR DYSTROPHY, LIMB-GIRDLE, AUTOSOMAL RECESSIVE 10. Identifiers: Orphanet 140922, MedGen C1837342, MONDO:0012127, OMIM 608807.
Dilated cardiomyopathy 1G (CMD1G). Identifiers: Orphanet 154, MedGen C1858763, MONDO:0011400, OMIM 604145.
TTN-related disorder. Also called: TTN-related condition; TTN-related disease; TTN-related disorders.
Cardiovascular phenotype. Identifiers: MedGen CN230736.

Allele frequency attached by ClinVar (database versions not stated): ExAC 0.00006; TOPMed 0.00007; ESP Exome Variant Server 0.00008; gnomAD exomes 0.00008; gnomAD 0.00010 and 0.00011.
gnomAD v4.1: 51 of 1,613,634 alleles (0.0032%); highest among the groups gnomAD compares: East Asian, 0.02%; no homozygotes.

Submissions (9):

PreventionGenetics, part of Exact Sciences
Classification: Uncertain significance for TTN-related condition. Last evaluated: 2026-09-19. Review status: criteria provided, single submitter. Criteria: ACMG Guidelines, 2015. Collection method: clinical testing. Allele origin: germline.
Comment: The TTN c.88123C>T variant is predicted to result in the amino acid substitution p.Arg29375Cys. To our knowledge, this variant has not been reported in the literature. This variant is reported in 0.078% of alleles in individuals of East Asian descent in gnomAD. At this time, the clinical significance of this variant is uncertain due to the absence of conclusive functional and genetic evidence.

GeneDx
Classification: Likely benign. Last evaluated: 2021-03-05. Review status: criteria provided, single submitter. Criteria: GeneDx Variant Classification Process June 2021. Collection method: clinical testing. Allele origin: germline. Affected: yes.

Revvity Omics, Revvity
Classification: Uncertain significance. Last evaluated: 2020-11-17. Review status: criteria provided, single submitter. Criteria: ACMG Guidelines, 2015. Collection method: clinical testing. Allele origin: germline.

Ambry Genetics
Classification: Uncertain significance for Cardiovascular phenotype. Last evaluated: 2018-12-26. Review status: criteria provided, single submitter. Criteria: Ambry Variant Classification Scheme 2023. Collection method: clinical testing. Allele origin: germline.
Comment: The p.R20310C variant (also known as c.60928C>T), located in coding exon 157 of the TTN gene, results from a C to T substitution at nucleotide position 60928. The arginine at codon 20310 is replaced by cysteine, an amino acid with highly dissimilar properties. This amino acid position is well conserved in available vertebrate species. In addition, this alteration is predicted to be tolerated by in silico analysis. Since supporting evidence is limited at this time, the clinical significance of this alteration remains unclear.

Laboratory for Molecular Medicine, Mass General Brigham Personalized Medicine
Classification: Uncertain significance. Last evaluated: 2017-10-26. Review status: criteria provided, single submitter. Criteria: LMM Criteria. Collection method: clinical testing. Allele origin: germline. Observed: 1 variant allele.
Comment: The p.Arg26807Cys variant in TTN has not been previously reported in individuals with cardiomyopathy. It has been identified in 13/17114 East Asian chromosomes by the Genome Aggregation Database (gnomAD; db SNP rs368439674). Computational prediction tools and conservation analysis do no t provide strong support for or against an impact to the protein. In summary, th e clinical significance of the p.Arg2680Cys variant is uncertain. ACMG/AMP Crit eria applied: none (Richards 2015).

Labcorp Genetics (formerly Invitae), Labcorp
Classification: Uncertain significance for Dilated cardiomyopathy 1G; Autosomal recessive limb-girdle muscular dystrophy type 2J. Last evaluated: 2017-10-17. Review status: criteria provided, single submitter. Criteria: Invitae Variant Classification Sherloc (09022015). Collection method: clinical testing. Allele origin: germline.

Clinical Genetics DNA and cytogenetics Diagnostics Lab, Erasmus MC, Erasmus Medical Center
Classification: Uncertain significance. Review status: no assertion criteria provided. Collection method: clinical testing. Allele origin: germline. Affected: yes. Study: VKGL Data-share Consensus. Not counted in ClinVar's aggregate classification.

Clinical Genetics, Academic Medical Center
Classification: Uncertain significance. Review status: no assertion criteria provided. Collection method: clinical testing. Allele origin: germline. Affected: yes. Study: VKGL Data-share Consensus. Not counted in ClinVar's aggregate classification.

Diagnostic Laboratory, Department of Genetics, University Medical Center Groningen
Classification: Uncertain significance. Review status: no assertion criteria provided. Collection method: clinical testing. Allele origin: germline. Affected: yes. Study: VKGL Data-share Consensus. Not counted in ClinVar's aggregate classification.

NM_001267550.2(TTN):c.88123C>T (p.Arg29375Cys)

Genes: TTN (titin; minus strand), TTN-AS1 (TTN antisense RNA 1; plus strand). Cytogenetic location: 2q31.2.
Variant type: single nucleotide variant.
Coding change: c.88123C>T on transcript NM_001267550.2 (MANE Select); coding-DNA position 88123, C replaced by T.
Protein change: p.Arg29375Cys; replaces arginine 29375 with cysteine.
Molecular consequence: missense variant.
Genome position (GRCh38, 1-based): chr2:178,557,031, G>A on the plus strand (C>T on the coding strand, the complement: TTN is on the minus strand). VCF-style: chr2-178557031-G-A. GRCh37 (hg19) VCF-style: chr2-179421758-G-A.
Other names: c.80419C>T, p.Arg26807Cys (NM_133378.4); c.83200C>T, p.Arg27734Cys (NM_001256850.1); c.60928C>T, p.Arg20310Cys (NM_003319.4); c.61303C>T, p.Arg20435Cys (NM_133432.3); c.61504C>T, p.Arg20502Cys (NM_133437.4); short protein forms R26807C, R29375C, R20310C, R27734C, R20435C, R20502C.
Identifiers: ClinVar variation 504539 (VCV000504539.17), dbSNP rs368439674, ClinGen allele CA1988195.